The following is an entry in ClinVar:

NM_015693.4(INTU):c.2660C>G (p.Pro887Arg)

Gene: INTU (inturned planar cell polarity protein; plus strand). Cytogenetic location: 4q28.1.
Variant type: single nucleotide variant.
Coding change: c.2660C>G on transcript NM_015693.4 (MANE Select); coding-DNA position 2660, C replaced by G.
Protein change: p.Pro887Arg; replaces proline 887 with arginine.
Molecular consequence: missense variant.
Genome position (GRCh38, 1-based): chr4:127,714,036, C>G. VCF-style: chr4-127714036-C-G. GRCh37 (hg19) VCF-style: chr4-128635191-C-G.
Other names: short protein forms P887R.
Identifiers: ClinVar variation 1923431 (VCV001923431.5), dbSNP rs749742061, ClinGen allele CA3075378.

ClinVar aggregate classification (germline): Uncertain significance (1 of 4 stars; one submission).

Allele frequency attached by ClinVar (database versions not stated): ExAC 0.00002.
gnomAD v4.1: 7 of 1,613,552 alleles (0.00043%); highest among the groups gnomAD compares: Non-Finnish European, 0.00059%; no homozygotes.

Submission:

Labcorp Genetics (formerly Invitae), Labcorp
Classification: Uncertain significance. Last evaluated: 2022-05-16. Review status: criteria provided, single submitter. Criteria: Invitae Variant Classification Sherloc (09022015). Collection method: clinical testing. Allele origin: germline.
Comment: This sequence change replaces proline, which is neutral and non-polar, with arginine, which is basic and polar, at codon 887 of the INTU protein (p.Pro887Arg). This variant is present in population databases (rs749742061, gnomAD 0.003%). This variant has not been reported in the literature in individuals affected with INTU-related conditions. Algorithms developed to predict the effect of missense changes on protein structure and function are either unavailable or do not agree on the potential impact of this missense change (SIFT: "Deleterious"; PolyPhen-2: "Benign"; Align-GVGD: "Class C25"). In summary, the available evidence is currently insufficient to determine the role of this variant in disease. Therefore, it has been classified as a Variant of Uncertain Significance.